The following is an entry in ClinVar:

NM_001830.4(CLCN4):c.758G>T (p.Arg253Leu)

Gene: CLCN4 (chloride voltage-gated channel 4; plus strand). Cytogenetic location: Xp22.2.
Variant type: single nucleotide variant.
Coding change: c.758G>T on transcript NM_001830.4 (MANE Select); coding-DNA position 758, G replaced by T.
Protein change: p.Arg253Leu; replaces arginine 253 with leucine.
Molecular consequence: missense variant.
Genome position (GRCh38, 1-based): chrX:10,206,560, G>T. VCF-style: chrX-10206560-G-T. GRCh37 (hg19) VCF-style: chrX-10174600-G-T.
Other names: c.476G>T, p.Arg159Leu (NM_001256944.2); short protein forms R159L, R253L.
Identifiers: ClinVar variation 850994 (VCV000850994.11), dbSNP rs1924392577, ClinGen allele CA412037062.

ClinVar aggregate classification (germline): Uncertain significance. Review status: criteria provided, multiple submitters, no conflicts (2 of 4 stars). 2 submissions from 2 submitters: Uncertain significance (2). Last evaluated 2024-11-14.

Submissions (2):

GeneDx
Classification: Uncertain significance. Last evaluated: 2024-11-14. Review status: criteria provided, single submitter. Criteria: GeneDx Variant Classification Process June 2021. Collection method: clinical testing. Allele origin: germline. Affected: yes.
Comment: Not observed at significant frequency in large population cohorts (gnomAD); In silico analysis supports that this missense variant has a deleterious effect on protein structure/function; Has not been previously published as pathogenic or benign to our knowledge

Labcorp Genetics (formerly Invitae), Labcorp
Classification: Uncertain significance. Last evaluated: 2019-12-27. Review status: criteria provided, single submitter. Criteria: Invitae Variant Classification Sherloc (09022015). Collection method: clinical testing. Allele origin: germline.
Comment: This variant has not been reported in the literature in individuals with CLCN4-related conditions. This variant is not present in population databases (ExAC no frequency). This sequence change replaces arginine with leucine at codon 253 of the CLCN4 protein (p.Arg253Leu). The arginine residue is highly conserved and there is a moderate physicochemical difference between arginine and leucine. Algorithms developed to predict the effect of missense changes on protein structure and function are either unavailable or do not agree on the potential impact of this missense change (SIFT: "Tolerated"; PolyPhen-2: "Possibly Damaging"; Align-GVGD: "Class C0"). In summary, the available evidence is currently insufficient to determine the role of this variant in disease. Therefore, it has been classified as a Variant of Uncertain Significance.